The following is an entry in ClinVar:

NM_001378454.1(ALMS1):c.12092C>G (p.Pro4031Arg)

Genes: ALMS1 (ALMS1 centrosome and basal body associated protein; plus strand), LOC126806252 (BRD4-independent group 4 enhancer GRCh37_chr2:73828496-73829695; plus strand). Cytogenetic location: 2p13.1.
Variant type: single nucleotide variant.
Coding change: c.12092C>G on transcript NM_001378454.1 (MANE Select); coding-DNA position 12092, C replaced by G.
Protein change: p.Pro4031Arg; replaces proline 4031 with arginine.
Molecular consequence: missense variant.
Genome position (GRCh38, 1-based): chr2:73,601,414, C>G. VCF-style: chr2-73601414-C-G. GRCh37 (hg19) VCF-style: chr2-73828541-C-G.
Other names: c.12095C>G, p.Pro4032Arg (NM_015120.4); short protein forms P4031R, P4032R.
Identifiers: ClinVar variation 3701450 (VCV003701450.2).

ClinVar aggregate classification (germline): Uncertain significance (1 of 4 stars; one submission).

Conditions:
Alstrom syndrome (ALMS). Identifiers: Orphanet 64, MedGen C0268425, MONDO:0008763, OMIM 203800.

Submission:

Labcorp Genetics (formerly Invitae), Labcorp
Classification: Uncertain significance for Alstrom syndrome. Last evaluated: 2025-05-22. Review status: criteria provided, single submitter. Criteria: Invitae Variant Classification Sherloc (09022015). Collection method: clinical testing. Allele origin: germline.
Comment: This sequence change replaces proline, which is neutral and non-polar, with arginine, which is basic and polar, at codon 4032 of the ALMS1 protein (p.Pro4032Arg). This variant is not present in population databases (gnomAD no frequency). This variant has not been reported in the literature in individuals affected with ALMS1-related conditions. ClinVar contains an entry for this variant (Variation ID: 3701450). An algorithm developed to predict the effect of missense changes on protein structure and function outputs the following: PolyPhen-2: "Not Available". The arginine amino acid residue is found in multiple mammalian species, which suggests that this missense change does not adversely affect protein function. In summary, the available evidence is currently insufficient to determine the role of this variant in disease. Therefore, it has been classified as a Variant of Uncertain Significance.